The following is an entry in ClinVar:

NM_001369369.1(FOXN1):c.588+17_588+18delinsCC

Gene: FOXN1 (forkhead box N1; plus strand). Cytogenetic location: 17q11.2.
Variant type: Indel.
Coding change: c.588+17_588+18delinsCC on transcript NM_001369369.1 (MANE Select); bases 17 to 18 of the intron after coding-DNA position 588, AG replaced by CC.
Molecular consequence: intron variant.
Genome position (GRCh38, 1-based): chr17:28,524,984-28,524,985, AG replaced by CC. VCF-style: chr17-28524984-AG-CC. GRCh37 (hg19) VCF-style: chr17-26852002-AG-CC.
Other names: c.588+17_588+18delinsCC (NM_003593.3).
Identifiers: ClinVar variation 3624208 (VCV003624208.2).

ClinVar aggregate classification (germline): Uncertain significance (1 of 4 stars; one submission).

Conditions:
T-cell immunodeficiency, congenital alopecia, and nail dystrophy. Also called: Congenital alopecia and nail dystrophy associated with severe functional T-cell immunodeficiency; Pignata Guarino syndrome. Identifiers: Orphanet 169095, MedGen C1866426, MONDO:0011132, OMIM 601705.

Submission:

Labcorp Genetics (formerly Invitae), Labcorp
Classification: Uncertain significance for T-cell immunodeficiency, congenital alopecia, and nail dystrophy. Last evaluated: 2025-10-21. Review status: criteria provided, single submitter. Criteria: Invitae Variant Classification Sherloc (09022015). Collection method: clinical testing. Allele origin: germline.
Comment: This sequence change falls in intron 2 of the FOXN1 gene. It does not directly change the encoded amino acid sequence of the FOXN1 protein. Information on the frequency of this variant in the gnomAD database is not available, as this variant may be reported differently in the database. This variant has not been reported in the literature in individuals affected with FOXN1-related conditions. ClinVar contains an entry for this variant (Variation ID: 3624208). Experimental studies and prediction algorithms are not available or were not evaluated, and the functional significance of this variant is currently unknown. In summary, the available evidence is currently insufficient to determine the role of this variant in disease. Therefore, it has been classified as a Variant of Uncertain Significance.